The following is an entry in ClinVar:

ClinVar aggregate classification (germline): Likely benign (0 of 4 stars; one submission).

Conditions:
KIF5A-related disorder. Also called: KIF5A-related disorders; KIF5A-related condition.

Submission:

PreventionGenetics, part of Exact Sciences
Classification: Likely benign for KIF5A-related condition. Last evaluated: 2024-01-30. Review status: no assertion criteria provided. Collection method: clinical testing. Allele origin: germline.
Comment: This variant is classified as likely benign based on ACMG/AMP sequence variant interpretation guidelines (Richards et al. 2015 PMID: 25741868, with internal and published modifications).

NM_004984.4(KIF5A):c.2463G>C (p.Gly821=)

Gene: KIF5A (kinesin family member 5A; plus strand). Cytogenetic location: 12q13.3.
Variant type: single nucleotide variant.
Coding change: c.2463G>C on transcript NM_004984.4 (MANE Select); coding-DNA position 2463, G replaced by C.
Protein change: p.Gly821=; no amino-acid change (glycine 821 retained).
Molecular consequence: synonymous variant.
Genome position (GRCh38, 1-based): chr12:57,578,267, G>C. VCF-style: chr12-57578267-G-C. GRCh37 (hg19) VCF-style: chr12-57972050-G-C.
Other names: c.2196G>C, p.Gly732= (NM_001354705.2).
Identifiers: ClinVar variation 3061145 (VCV003061145.2), dbSNP rs2540512098, ClinGen allele CA480265644.
Genomic context (GRCh38, chr12:57,578,267, plus strand): 5'-CAGCCACGTCTTTCCTTCTATCTGTTCTCAGAGTGCAGAAATGGAGCCCGAAGACAGTGG[G>C]GGGATTCACTCCCAAAAGCAGAAGATTTCCTTTCTTGAGAACAACCTGGAACAGCTTACA-3'
Protein context (NP_004975.2, residues 811-831): KSAEMEPEDS[Gly821=]GIHSQKQKIS